The following is an entry in ClinVar:

NC_000007.13:g.(?_120387715)_(120428971_?)dup

Genes: KCND2 (potassium voltage-gated channel subfamily D member 2; plus strand), TSPAN12 (tetraspanin 12; minus strand). Cytogenetic location: 7q31.31.
Variant type: Duplication.
Identifiers: ClinVar variation 2425789 (VCV002425789.4).

ClinVar aggregate classification (germline): Uncertain significance (1 of 4 stars; one submission).

Conditions:
Early Myoclonic Encephalopathy. Identifiers: MedGen C0270855.

Submission:

Labcorp Genetics (formerly Invitae), Labcorp
Classification: Uncertain significance for Early Myoclonic Encephalopathy. Last evaluated: 2021-11-19. Review status: criteria provided, single submitter. Criteria: Invitae Variant Classification Sherloc (09022015). Collection method: clinical testing. Allele origin: germline.
Comment: In summary, the available evidence is currently insufficient to determine the role of this variant in disease. Therefore, it has been classified as a Variant of Uncertain Significance. Experimental studies and prediction algorithms are not available or were not evaluated, and the functional significance of this variant is currently unknown. This variant has not been reported in the literature in individuals affected with KCND2-related conditions. This variant results in a copy number gain of the genomic region encompassing exon(s) 6 of the KCND2 gene. This region includes the termination codon of the gene. This copy number gain extends beyond the assayed region for this gene and therefore may encompass additional genes. As the precise location of this event is unknown, it may be in tandem or it may be located elsewhere in the genome.